The following is an entry in ClinVar:

ClinVar aggregate classification (germline): Uncertain significance (1 of 4 stars; one submission).

gnomAD v4.1: 1 of 1,612,734 alleles (0.000062%); highest among the groups gnomAD compares: Admixed American, 0.0017%; no homozygotes.

Submission:

Labcorp Genetics (formerly Invitae), Labcorp
Classification: Uncertain significance. Last evaluated: 2025-01-30. Review status: criteria provided, single submitter. Criteria: Invitae Variant Classification Sherloc (09022015). Collection method: clinical testing. Allele origin: germline.
Comment: This sequence change affects an acceptor splice site in intron 5 of the ABRAXAS1 gene. It is expected to disrupt RNA splicing. Variants that disrupt the donor or acceptor splice site typically lead to a loss of protein function (PMID: 16199547), however the current clinical and genetic evidence is not sufficient to establish whether loss-of-function variants in ABRAXAS1 cause disease. This variant is not present in population databases (gnomAD no frequency). This variant has not been reported in the literature in individuals affected with ABRAXAS1-related conditions. Algorithms developed to predict the effect of sequence changes on RNA splicing suggest that this variant may disrupt the consensus splice site. In summary, the available evidence is currently insufficient to determine the role of this variant in disease. Therefore, it has been classified as a Variant of Uncertain Significance.

Literature cited by the submitters: PubMed 16199547.

NM_139076.3(ABRAXAS1):c.477-1G>T

Gene: ABRAXAS1 (abraxas 1, BRCA1 A complex subunit; minus strand). Cytogenetic location: 4q21.23.
Variant type: single nucleotide variant.
Coding change: c.477-1G>T on transcript NM_139076.3 (MANE Select); the canonical splice acceptor site of the intron before coding-DNA position 477, G replaced by T.
Molecular consequence: splice acceptor variant.
Genome position (GRCh38, 1-based): chr4:83,469,152, C>A on the plus strand (G>T on the coding strand, the complement: ABRAXAS1 is on the minus strand). VCF-style: chr4-83469152-C-A. GRCh37 (hg19) VCF-style: chr4-84390305-C-A.
Other names: c.150-1G>T (NM_001345962.2).
Identifiers: ClinVar variation 3710360 (VCV003710360.2).